The following is an entry in ClinVar:

ClinVar aggregate classification (germline): Uncertain significance. Review status: criteria provided, multiple submitters, no conflicts (2 of 4 stars). 2 submissions from 2 submitters: Uncertain significance (2). Last evaluated 2025-12-16.

Conditions:
Inborn genetic diseases. Identifiers: MedGen C0950123, MeSH D030342.

Allele frequency attached by ClinVar (database versions not stated): gnomAD exomes 0.00001.
gnomAD v4.1: 7 of 1,610,566 alleles (0.00043%); highest among the groups gnomAD compares: Non-Finnish European, 0.00059%; no homozygotes.

Submissions (2):

Ambry Genetics
Classification: Uncertain significance for Inborn genetic diseases. Last evaluated: 2025-12-16. Review status: criteria provided, single submitter. Criteria: Ambry Variant Classification Scheme 2023. Collection method: clinical testing. Allele origin: germline.

Labcorp Genetics (formerly Invitae), Labcorp
Classification: Uncertain significance. Last evaluated: 2022-11-07. Review status: criteria provided, single submitter. Criteria: Invitae Variant Classification Sherloc (09022015). Collection method: clinical testing. Allele origin: germline.
Comment: In summary, the available evidence is currently insufficient to determine the role of this variant in disease. Therefore, it has been classified as a Variant of Uncertain Significance. Advanced modeling of protein sequence and biophysical properties (such as structural, functional, and spatial information, amino acid conservation, physicochemical variation, residue mobility, and thermodynamic stability) performed at Invitae indicates that this missense variant is expected to disrupt CLTC protein function. This variant has not been reported in the literature in individuals affected with CLTC-related conditions. This variant is not present in population databases (gnomAD no frequency). This sequence change replaces valine, which is neutral and non-polar, with methionine, which is neutral and non-polar, at codon 963 of the CLTC protein (p.Val963Met).

NM_004859.4(CLTC):c.2875G>A (p.Val959Met)

Gene: CLTC (clathrin heavy chain; plus strand). Cytogenetic location: 17q23.1.
Variant type: single nucleotide variant.
Coding change: c.2875G>A on transcript NM_004859.4 (MANE Select); coding-DNA position 2875, G replaced by A.
Protein change: p.Val959Met; replaces valine 959 with methionine.
Molecular consequence: missense variant.
Genome position (GRCh38, 1-based): chr17:59,679,475, G>A. VCF-style: chr17-59679475-G-A. GRCh37 (hg19) VCF-style: chr17-57756836-G-A.
Other names: c.2875G>A (NM_004859.3); c.2887G>A, p.Val963Met (NM_001288653.2); short protein forms V959M, V963M.
Identifiers: ClinVar variation 1919890 (VCV001919890.6), dbSNP rs2143586651, ClinGen allele CA400416472.